The following is an entry in ClinVar:

ClinVar aggregate classification (germline): Uncertain significance. Review status: criteria provided, multiple submitters, no conflicts (2 of 4 stars). 3 submissions from 3 submitters: Uncertain significance (3). Last evaluated 2025-12-02.

Conditions:
Mucopolysaccharidosis, MPS-III-D (MPS3D). Also called: N-ACETYLGLUCOSAMINE-6-SULFATASE DEFICIENCY; SANFILIPPO SYNDROME D; MPS III D; Mucopoly-saccharidosis type 3D; N-acetylglucosamine-6-sulfate sulfatase deficiency; MPS 3D. Identifiers: Orphanet 581, Orphanet 79272, MedGen C0086650, MONDO:0009658, OMIM 252940.
Inborn genetic diseases. Identifiers: MedGen C0950123, MeSH D030342.

Allele frequency attached by ClinVar (database versions not stated): TOPMed below 0.00001; ExAC 0.00002; gnomAD 0.00001; gnomAD exomes 0.00001 and 0.00002.
gnomAD v4.1: 17 of 1,612,792 alleles (0.0011%); highest among the groups gnomAD compares: Admixed American, 0.0033%; no homozygotes.

Submissions (3):

Ambry Genetics
Classification: Uncertain significance for Inborn genetic diseases. Last evaluated: 2025-12-02. Review status: criteria provided, single submitter. Criteria: Ambry Variant Classification Scheme 2023. Collection method: clinical testing. Allele origin: germline.

Labcorp Genetics (formerly Invitae), Labcorp
Classification: Uncertain significance for Mucopolysaccharidosis, MPS-III-D. Last evaluated: 2024-10-23. Review status: criteria provided, single submitter. Criteria: Invitae Variant Classification Sherloc (09022015). Collection method: clinical testing. Allele origin: germline.
Comment: This sequence change replaces arginine, which is basic and polar, with glutamine, which is neutral and polar, at codon 545 of the GNS protein (p.Arg545Gln). This variant is present in population databases (rs756752200, gnomAD 0.006%). This variant has not been reported in the literature in individuals affected with GNS-related conditions. ClinVar contains an entry for this variant (Variation ID: 1199374). An algorithm developed to predict the effect of missense changes on protein structure and function (PolyPhen-2) suggests that this variant¬†is likely to be tolerated. Algorithms developed to predict the effect of sequence changes on RNA splicing suggest that this variant may disrupt the consensus splice site. In summary, the available evidence is currently insufficient to determine the role of this variant in disease. Therefore, it has been classified as a Variant of Uncertain Significance.

Genome-Nilou Lab
Classification: Uncertain significance for Mucopolysaccharidosis, MPS-III-D. Last evaluated: 2021-07-14. Review status: criteria provided, single submitter. Criteria: ACMG Guidelines, 2015. Collection method: clinical testing. Allele origin: germline. Affected: no.

NM_002076.4(GNS):c.1634G>A (p.Arg545Gln)

Gene: GNS (glucosamine (N-acetyl)-6-sulfatase; minus strand). Cytogenetic location: 12q14.3.
Variant type: single nucleotide variant.
Coding change: c.1634G>A on transcript NM_002076.4 (MANE Select); coding-DNA position 1634, G replaced by A.
Protein change: p.Arg545Gln; replaces arginine 545 with glutamine.
Molecular consequence: missense variant.
Genome position (GRCh38, 1-based): chr12:64,716,766, C>T on the plus strand (G>A on the coding strand, the complement: GNS is on the minus strand). VCF-style: chr12-64716766-C-T. GRCh37 (hg19) VCF-style: chr12-65110546-C-T.
Other names: c.1634G>A (NM_002076.3); short protein forms R545Q.
Identifiers: ClinVar variation 1199374 (VCV001199374.8), dbSNP rs756752200, ClinGen allele CA6669617.